The following is an entry in ClinVar:

ClinVar aggregate classification (germline): Uncertain significance (1 of 4 stars; one submission).

Conditions:
Intellectual developmental disorder, X-linked 1. Also called: Atkin Flaitz Patil Smith syndrome; MENTAL RETARDATION, X-LINKED 18; MENTAL RETARDATION, X-LINKED 78; Intellectual disability, X-linked 1. Identifiers: Orphanet 777, MedGen C2931498, MONDO:0010656, OMIM 309530.

gnomAD v4.1: 2 of 1,211,285 alleles (0.00017%); highest among the groups gnomAD compares: Non-Finnish European, 0.00022%; no homozygotes.

Submission:

Labcorp Genetics (formerly Invitae), Labcorp
Classification: Uncertain significance for Intellectual developmental disorder, X-linked 1. Last evaluated: 2025-02-20. Review status: criteria provided, single submitter. Criteria: Invitae Variant Classification Sherloc (09022015). Collection method: clinical testing. Allele origin: germline.
Comment: This sequence change replaces proline, which is neutral and non-polar, with serine, which is neutral and polar, at codon 987 of the IQSEC2 protein (p.Pro987Ser). This variant is present in population databases (rs781881272, gnomAD 0.001%). This variant has not been reported in the literature in individuals affected with IQSEC2-related conditions. Invitae Evidence Modeling of protein sequence and biophysical properties (such as structural, functional, and spatial information, amino acid conservation, physicochemical variation, residue mobility, and thermodynamic stability) indicates that this missense variant is not expected to disrupt IQSEC2 protein function with a negative predictive value of 95%. In summary, the available evidence is currently insufficient to determine the role of this variant in disease. Therefore, it has been classified as a Variant of Uncertain Significance.

NM_001111125.3(IQSEC2):c.2959C>T (p.Pro987Ser)

Gene: IQSEC2 (IQ motif and Sec7 domain ArfGEF 2; minus strand). Cytogenetic location: Xp11.22.
Variant type: single nucleotide variant.
Coding change: c.2959C>T on transcript NM_001111125.3 (MANE Select); coding-DNA position 2959, C replaced by T.
Protein change: p.Pro987Ser; replaces proline 987 with serine.
Molecular consequence: missense variant.
Genome position (GRCh38, 1-based): chrX:53,241,840, G>A on the plus strand (C>T on the coding strand, the complement: IQSEC2 is on the minus strand). VCF-style: chrX-53241840-G-A. GRCh37 (hg19) VCF-style: chrX-53271022-G-A.
Other names: c.2344C>T, p.Pro782Ser (NM_015075.2); c.2959C>T, p.Pro987Ser (NM_001410736.1); short protein forms P782S, P987S.
Identifiers: ClinVar variation 3612094 (VCV003612094.2).